The following is an entry in ClinVar:

NM_006231.4(POLE):c.2530A>C (p.Thr844Pro)

Gene: POLE (DNA polymerase epsilon, catalytic subunit; minus strand). Cytogenetic location: 12q24.33.
Variant type: single nucleotide variant.
Coding change: c.2530A>C on transcript NM_006231.4 (MANE Select); coding-DNA position 2530, A replaced by C.
Protein change: p.Thr844Pro; replaces threonine 844 with proline.
Molecular consequence: missense variant.
Genome position (GRCh38, 1-based): chr12:132,664,401, T>G on the plus strand (A>C on the coding strand, the complement: POLE is on the minus strand). VCF-style: chr12-132664401-T-G. GRCh37 (hg19) VCF-style: chr12-133240987-T-G.
Other names: short protein forms T844P.
Identifiers: ClinVar variation 2092340 (VCV002092340.4), dbSNP rs2542066101, ClinGen allele CA387396322.
Genomic context (GRCh38, chr12:132,664,401, plus strand): 5'-CAGCCCCACGGCTCCCCTTCTGCACTCACCCAATCTGCTCGATCAGCTCCCGTGCCTGGG[T>G]GATGATGTTGGCCCCTGTGAAGCAGACGATGCCAGCCATCTCCATGGAGTACCAGCGAGC-3'
Protein context (NP_006222.2, residues 834-854): IVCFTGANII[Thr844Pro]QARELIEQIG

ClinVar aggregate classification (germline): Uncertain significance (1 of 4 stars; one submission).

Submission:

Labcorp Genetics (formerly Invitae), Labcorp
Classification: Uncertain significance. Last evaluated: 2022-02-07. Review status: criteria provided, single submitter. Criteria: Invitae Variant Classification Sherloc (09022015). Collection method: clinical testing. Allele origin: germline.
Comment: This sequence change replaces threonine, which is neutral and polar, with proline, which is neutral and non-polar, at codon 844 of the POLE protein (p.Thr844Pro). This variant is not present in population databases (gnomAD no frequency). In summary, the available evidence is currently insufficient to determine the role of this variant in disease. Therefore, it has been classified as a Variant of Uncertain Significance. Algorithms developed to predict the effect of missense changes on protein structure and function are either unavailable or do not agree on the potential impact of this missense change (SIFT: "Tolerated"; PolyPhen-2: "Probably Damaging"; Align-GVGD: "Class C0"). This variant has not been reported in the literature in individuals affected with POLE-related conditions.